The following is an entry in ClinVar:

ClinVar aggregate classification (germline): Uncertain significance (1 of 4 stars; one submission).

Conditions:
Spastic paraplegia. Identifiers: MedGen C0037772, HP:0001258.

Allele frequency attached by ClinVar (database versions not stated): gnomAD 0.00001.
gnomAD v4.1: 1 of 1,210,488 alleles (0.000083%); highest among the groups gnomAD compares: Admixed American, 0.0022%; no homozygotes.

Submission:

Labcorp Genetics (formerly Invitae), Labcorp
Classification: Uncertain significance for Spastic paraplegia. Last evaluated: 2024-12-16. Review status: criteria provided, single submitter. Criteria: Invitae Variant Classification Sherloc (09022015). Collection method: clinical testing. Allele origin: germline.
Comment: This sequence change replaces histidine, which is basic and polar, with glutamine, which is neutral and polar, at codon 186 of the SLC16A2 protein (p.His186Gln). This variant is not present in population databases (gnomAD no frequency). This variant has not been reported in the literature in individuals affected with SLC16A2-related conditions. ClinVar contains an entry for this variant (Variation ID: 1501566). Invitae Evidence Modeling of protein sequence and biophysical properties (such as structural, functional, and spatial information, amino acid conservation, physicochemical variation, residue mobility, and thermodynamic stability) indicates that this missense variant is not expected to disrupt SLC16A2 protein function with a negative predictive value of 95%. In summary, the available evidence is currently insufficient to determine the role of this variant in disease. Therefore, it has been classified as a Variant of Uncertain Significance.

NM_006517.5(SLC16A2):c.558T>A (p.His186Gln)

Gene: SLC16A2 (solute carrier family 16 member 2; plus strand). Cytogenetic location: Xq13.2.
Variant type: single nucleotide variant.
Coding change: c.558T>A on transcript NM_006517.5 (MANE Select); coding-DNA position 558, T replaced by A.
Protein change: p.His186Gln; replaces histidine 186 with glutamine.
Molecular consequence: missense variant.
Genome position (GRCh38, 1-based): chrX:74,521,117, T>A. VCF-style: chrX-74521117-T-A. GRCh37 (hg19) VCF-style: chrX-73740952-T-A.
Other names: short protein forms H186Q.
Identifiers: ClinVar variation 1501566 (VCV001501566.6), dbSNP rs1930399390, ClinGen allele CA413656778.
Genomic context (GRCh38, chrX:74,521,117, plus strand): 5'-CCGTTTGGGCTGCCGAATCACAGCAACCGCGGGGGCTGCCGTTGCTTTCATTGGCCTCCA[T>A]ACCAGCTCCTTCACCAGGTAAGGCTAAGAGTTGGTGGTTATTTCCCCAAGGCTGAGGGTT-3'
Protein context (NP_006508.2, residues 176-196): AGAAVAFIGL[His186Gln]TSSFTSSLSL